The following is an entry in ClinVar:

NM_001346810.2(DLGAP2):c.2674G>C (p.Glu892Gln)

Gene: DLGAP2 (DLG associated protein 2; plus strand). Cytogenetic location: 8p23.3.
Variant type: single nucleotide variant.
Coding change: c.2674G>C on transcript NM_001346810.2 (MANE Select); coding-DNA position 2674, G replaced by C.
Protein change: p.Glu892Gln; replaces glutamic acid 892 with glutamine.
Molecular consequence: missense variant.
Genome position (GRCh38, 1-based): chr8:1,678,599, G>C. VCF-style: chr8-1678599-G-C. GRCh37 (hg19) VCF-style: chr8-1626765-G-C.
Other names: short protein forms E892Q.
Identifiers: ClinVar variation 2632179 (VCV002632179.1), dbSNP rs2486197593, ClinGen allele CA369950233.

ClinVar aggregate classification (germline): Uncertain significance (1 of 4 stars; one submission).

Conditions:
DLGAP2-related disorder. Also called: DLGAP2-related condition.

Allele frequency attached by ClinVar (database versions not stated): gnomAD exomes below 0.00001.
gnomAD v4.1: 2 of 1,565,524 alleles (0.00013%); highest among the groups gnomAD compares: South Asian, 0.0024%; no homozygotes.

Submission:

PreventionGenetics, part of Exact Sciences
Classification: Uncertain significance for DLGAP2-related condition. Last evaluated: 2023-06-28. Review status: criteria provided, single submitter. Criteria: ACMG Guidelines, 2015. Collection method: clinical testing. Allele origin: germline.
Comment: The DLGAP2 c.2674G>C variant is predicted to result in the amino acid substitution p.Glu892Gln. To our knowledge, this variant has not been reported in the literature or in a large population database, indicating this variant is rare. At this time, the clinical significance of this variant is uncertain due to the absence of conclusive functional and genetic evidence.